The following is an entry in ClinVar:

ClinVar aggregate classification (germline): Uncertain significance. Review status: criteria provided, multiple submitters, no conflicts (2 of 4 stars). 2 submissions from 2 submitters: Uncertain significance (2). Last evaluated 2024-04-22.

Conditions:
Wilms tumor 1 (WT1). Also called: Wilms tumor, somatic. Identifiers: Orphanet 654, MedGen CN033288, MONDO:0008679, OMIM 194070.
Meacham syndrome. Also called: Meacham Winn Culler syndrome. Identifiers: Orphanet 3097, MedGen C1837026, MONDO:0012164, OMIM 608978.
Mesothelioma, malignant (MESOM). Also called: Malignant mesothelioma (disease). Identifiers: Orphanet 50251, MedGen C0345967, MONDO:0006292, OMIM 156240, HP:0100001.
Frasier syndrome. Identifiers: Orphanet 347, MedGen C0950122, MeSH D052159, MONDO:0007635, OMIM 136680.
Nephrotic syndrome, type 4 (NPHS4). Also called: Familial mesangial sclerosis; Nephrotic syndrome, early onset with diffuse mesangial sclerosis. Identifiers: Orphanet 656, MedGen C3151568, MONDO:0009733, OMIM 256370.
Drash syndrome (DDS). Also called: WILMS TUMOR AND PSEUDO- OR TRUE HERMAPHRODITISM; NEPHROPATHY, WILMS TUMOR, AND GENITAL ANOMALIES. Identifiers: Orphanet 220, MedGen C0950121, MONDO:0008682, OMIM 194080.

Allele frequency attached by ClinVar (database versions not stated): gnomAD exomes below 0.00001; ExAC 0.00001.
gnomAD v4.1: 1 of 1,614,098 alleles (0.000062%); no homozygotes.

Submissions (2):

Fulgent Genetics
Classification: Uncertain significance for Frasier syndrome; Mesothelioma, malignant; Wilms tumor 1; Drash syndrome; Nephrotic syndrome, type 4; Meacham syndrome. Last evaluated: 2024-04-22. Review status: criteria provided, single submitter. Criteria: ACMG Guidelines, 2015. Collection method: clinical testing. Allele origin: germline.

All of Us Research Program, National Institutes of Health
Classification: Uncertain significance for Wilms tumor 1. Last evaluated: 2023-05-16. Review status: criteria provided, single submitter. Criteria: ACMG Guidelines, 2015. Collection method: clinical testing. Allele origin: germline. Inheritance: Autosomal dominant inheritance. Observed: 1 variant allele, 1 heterozygote.
Comment: This missense variant replaces methionine with threonine at codon 309 in the WT1 protein. Computational prediction is inconclusive regarding the impact of this variant on protein structure and function (internally defined REVEL score threshold 0.5 < inconclusive < 0.7, PMID: 27666373). To our knowledge, functional studies have not been reported for this variant. This variant has not been reported in individuals affected with WT1-related disorders in the literature. This variant has been identified in 1/251376 chromosomes in the general population by the Genome Aggregation Database (gnomAD). The available evidence is insufficient to determine the role of this variant in disease conclusively. Therefore, this variant is classified as a Variant of Uncertain Significance.

This study involves interpretation of variants in research participants for the purpose of population health screening. Participant phenotype was not available at the time of variant classification. Additional details can be found in publication PMID: 35346344, PMCID: PMC8962531

NM_024426.6(WT1):c.941T>C (p.Met314Thr)

Gene: WT1 (WT1 transcription factor; minus strand). Cytogenetic location: 11p13.
Variant type: single nucleotide variant.
Coding change: c.941T>C on transcript NM_024426.6 (MANE Select); coding-DNA position 941, T replaced by C.
Protein change: p.Met314Thr; replaces methionine 314 with threonine.
Molecular consequence: missense variant. On other transcripts: non-coding transcript variant (2).
Genome position (GRCh38, 1-based): chr11:32,417,601, A>G on the plus strand (T>C on the coding strand, the complement: WT1 is on the minus strand). VCF-style: chr11-32417601-A-G. GRCh37 (hg19) VCF-style: chr11-32439147-A-G.
Other names: c.941T>C, p.Met314Thr (NM_000378.6, NM_001407044.1, NM_001407045.1 and 4 more transcripts); c.290T>C, p.Met97Thr (NM_001198551.2, NM_001198552.2); c.818T>C, p.Met273Thr (NM_001407047.1, NM_001407050.1); c.179T>C, p.Met60Thr (NM_001407051.1); c.722T>C, p.Met241Thr (NM_001429031.1, NM_001429032.1, NM_001429033.1 and 1 more transcripts); c.926T>C, p.Met309Thr (NM_024425.2); short protein forms M241T, M273T, M309T, M314T, M60T, M97T.
Identifiers: ClinVar variation 3071216 (VCV003071216.2), dbSNP rs760219458, ClinGen allele CA065889.